The following is an entry in ClinVar:

ClinVar aggregate classification (germline): Likely benign. Review status: criteria provided, multiple submitters, no conflicts (2 of 4 stars). 4 submissions from 4 submitters: Likely benign (4). Last evaluated 2025-12-22.

Conditions:
Aortic aneurysm, familial thoracic 7 (AAT7). Also called: AORTIC DISSECTION, FAMILIAL, WITH OR WITHOUT AORTIC ANEURYSM. Identifiers: MedGen C3151077, MONDO:0013418, OMIM 613780.
Familial thoracic aortic aneurysm and aortic dissection (TAAD). Also called: Thoracic aortic aneurysms and dissections. Identifiers: Orphanet 91387, MedGen C4707243, MONDO:0019625.

Allele frequency attached by ClinVar (database versions not stated): ExAC 0.00003; gnomAD exomes 0.00003; gnomAD 0.00004; TOPMed 0.00004.
gnomAD v4.1: 50 of 1,613,952 alleles (0.0031%); highest among the groups gnomAD compares: East Asian, 0.0067%; no homozygotes.

Submissions (4):

Labcorp Genetics (formerly Invitae), Labcorp
Classification: Likely benign for Aortic aneurysm, familial thoracic 7. Last evaluated: 2025-12-22. Review status: criteria provided, single submitter. Criteria: Invitae Variant Classification Sherloc (09022015). Collection method: clinical testing. Allele origin: germline.

Blueprint Genetics
Classification: Likely benign. Last evaluated: 2024-07-18. Review status: criteria provided, single submitter. Criteria: ACMG Guidelines, 2015. Collection method: clinical testing. Allele origin: germline.

Ambry Genetics
Classification: Likely benign for Familial thoracic aortic aneurysm and aortic dissection. Last evaluated: 2023-06-17. Review status: criteria provided, single submitter. Criteria: Ambry Variant Classification Scheme 2023. Collection method: clinical testing. Allele origin: germline.

GeneDx
Classification: Likely benign. Last evaluated: 2017-10-18. Review status: criteria provided, single submitter. Criteria: GeneDx Variant Classification (06012015). Collection method: clinical testing. Allele origin: germline. Affected: yes.
Comment: This variant is considered likely benign or benign based on one or more of the following criteria: it is a conservative change, it occurs at a poorly conserved position in the protein, it is predicted to be benign by multiple in silico algorithms, and/or has population frequency not consistent with disease.

NM_053025.4(MYLK):c.4674G>A (p.Thr1558=)

Gene: MYLK (myosin light chain kinase; minus strand). Cytogenetic location: 3q21.1.
Variant type: single nucleotide variant.
Coding change: c.4674G>A on transcript NM_053025.4 (MANE Select); coding-DNA position 4674, G replaced by A.
Protein change: p.Thr1558=; no amino-acid change (threonine 1558 retained).
Molecular consequence: synonymous variant.
Genome position (GRCh38, 1-based): chr3:123,640,450, C>T on the plus strand (G>A on the coding strand, the complement: MYLK is on the minus strand). VCF-style: chr3-123640450-C-T. GRCh37 (hg19) VCF-style: chr3-123359297-C-T.
Other names: c.4146G>A, p.Thr1382= (NM_001321309.2); c.4467G>A, p.Thr1489= (NM_053026.4, NM_053028.4); c.4674G>A, p.Thr1558= (NM_053027.4).
Identifiers: ClinVar variation 512816 (VCV000512816.12), dbSNP rs775672251, ClinGen allele CA071972.